The following is an entry in ClinVar:

ClinVar aggregate classification (germline): Uncertain significance. Review status: criteria provided, multiple submitters, no conflicts (2 of 4 stars). 3 submissions from 3 submitters: Uncertain significance (3). Last evaluated 2025-10-29.

Allele frequency attached by ClinVar (database versions not stated): TOPMed 0.00001; ESP Exome Variant Server 0.00008.
gnomAD v4.1: 15 of 1,613,800 alleles (0.00093%); highest among the groups gnomAD compares: Middle Eastern, 0.016%; no homozygotes.

Submissions (3):

Labcorp Genetics (formerly Invitae), Labcorp
Classification: Uncertain significance. Last evaluated: 2025-10-29. Review status: criteria provided, single submitter. Criteria: Invitae Variant Classification Sherloc (09022015). Collection method: clinical testing. Allele origin: germline.
Comment: This sequence change replaces histidine, which is basic and polar, with glutamine, which is neutral and polar, at codon 282 of the MKL1 protein (p.His282Gln). This variant is present in population databases (rs372255666, gnomAD 0.004%). This variant has not been reported in the literature in individuals affected with MKL1-related conditions. ClinVar contains an entry for this variant (Variation ID: 1683119). An algorithm developed to predict the effect of missense changes on protein structure and function outputs the following: PolyPhen-2: "Probably Damaging". The glutamine amino acid residue is found in multiple mammalian species, which suggests that this missense change does not adversely affect protein function. In summary, the available evidence is currently insufficient to determine the role of this variant in disease. Therefore, it has been classified as a Variant of Uncertain Significance.

Ambry Genetics
Classification: Uncertain significance. Last evaluated: 2024-07-31. Review status: criteria provided, single submitter. Criteria: Ambry Variant Classification Scheme 2023. Collection method: clinical testing. Allele origin: germline.

Blueprint Genetics
Classification: Uncertain significance. Last evaluated: 2021-12-29. Review status: criteria provided, single submitter. Criteria: ACMG Guidelines, 2015. Collection method: clinical testing. Allele origin: germline.

NM_020831.6(MRTFA):c.1146C>G (p.His382Gln)

Gene: MRTFA (myocardin related transcription factor A; minus strand). Cytogenetic location: 22q13.1.
Variant type: single nucleotide variant.
Coding change: c.1146C>G on transcript NM_020831.6 (MANE Select); coding-DNA position 1146, C replaced by G.
Protein change: p.His382Gln; replaces histidine 382 with glutamine.
Molecular consequence: missense variant.
Genome position (GRCh38, 1-based): chr22:40,420,882, G>C on the plus strand (C>G on the coding strand, the complement: MRTFA is on the minus strand). VCF-style: chr22-40420882-G-C. GRCh37 (hg19) VCF-style: chr22-40816886-G-C.
Other names: c.846C>G, p.His282Gln (NM_001282660.2); c.996C>G, p.His332Gln (NM_001282661.3); c.1146C>G, p.His382Gln (NM_001282662.3); c.951C>G, p.His317Gln (NM_001318139.2); c.846C>G (NM_020831.3); short protein forms H282Q, H317Q, H332Q, H382Q.
Identifiers: ClinVar variation 1683119 (VCV001683119.8), dbSNP rs372255666, ClinGen allele CA10249790.